The following is an entry in ClinVar:

ClinVar aggregate classification (germline): Uncertain significance (1 of 4 stars; one submission).

Allele frequency attached by ClinVar (database versions not stated): gnomAD exomes below 0.00001; ExAC 0.00001.
gnomAD v4.1: 1 of 1,591,200 alleles (0.000063%); highest among the groups gnomAD compares: South Asian, 0.0012%; no homozygotes.

Submission:

Labcorp Genetics (formerly Invitae), Labcorp
Classification: Uncertain significance. Last evaluated: 2022-12-24. Review status: criteria provided, single submitter. Criteria: Invitae Variant Classification Sherloc (09022015). Collection method: clinical testing. Allele origin: germline.
Comment: This sequence change replaces aspartic acid, which is acidic and polar, with glycine, which is neutral and non-polar, at codon 132 of the NFE2L2 protein (p.Asp132Gly). In summary, the available evidence is currently insufficient to determine the role of this variant in disease. Therefore, it has been classified as a Variant of Uncertain Significance. This variant is present in population databases (rs755268986, gnomAD 0.004%). This variant has not been reported in the literature in individuals affected with NFE2L2-related conditions. Advanced modeling of protein sequence and biophysical properties (such as structural, functional, and spatial information, amino acid conservation, physicochemical variation, residue mobility, and thermodynamic stability) performed at Invitae indicates that this missense variant is not expected to disrupt NFE2L2 protein function.

NM_006164.5(NFE2L2):c.395A>G (p.Asp132Gly)

Gene: NFE2L2 (NFE2 like bZIP transcription factor 2; minus strand). Cytogenetic location: 2q31.2.
Variant type: single nucleotide variant.
Coding change: c.395A>G on transcript NM_006164.5 (MANE Select); coding-DNA position 395, A replaced by G.
Protein change: p.Asp132Gly; replaces aspartic acid 132 with glycine.
Molecular consequence: missense variant. On other transcripts: intron variant (1).
Genome position (GRCh38, 1-based): chr2:177,233,257, T>C on the plus strand (A>G on the coding strand, the complement: NFE2L2 is on the minus strand). VCF-style: chr2-177233257-T-C. GRCh37 (hg19) VCF-style: chr2-178097985-T-C.
Other names: c.95A>G, p.Asp32Gly (NM_001313904.1); c.313-674A>G (NM_001313902.2); c.347A>G, p.Asp116Gly (NM_001145412.3, NM_001145413.3, NM_001313900.1 and 1 more transcripts); c.176A>G, p.Asp59Gly (NM_001313903.2); short protein forms D132G, D32G, D59G, D116G.
Identifiers: ClinVar variation 2872327 (VCV002872327.3), dbSNP rs755268986, ClinGen allele CA1979896.